The following is an entry in ClinVar:

NM_001363118.2(SLC52A2):c.*239del

Gene: SLC52A2 (solute carrier family 52 member 2; plus strand). Cytogenetic location: 8q24.3.
Variant type: Deletion.
Coding change: c.*239del on transcript NM_001363118.2 (MANE Select); 239 bases downstream of the stop codon, one base deleted (A; older notation c.*239delA).
Molecular consequence: 3 prime UTR variant. On other transcripts: non-coding transcript variant (1).
Genome position (GRCh38, 1-based): chr8:144,361,254, A deleted; the last of 2 consecutive A bases (chr8:144,361,253-144,361,254); deleting either gives the same sequence. VCF-style (leftmost placement, unchanged base first): chr8-144361252-TA-T. GRCh37 (hg19) VCF-style: chr8-145584912-TA-T.
Other names: c.*239del (NM_001253815.2, NM_001253816.2, NM_001363120.2 and 11 more transcripts).
Identifiers: ClinVar variation 4846931 (VCV004846931.1).

ClinVar aggregate classification (germline): Uncertain significance (1 of 4 stars; one submission).

Conditions:
Brown-Vialetto-van Laere syndrome 2. Also called: Riboflavin transporter deficiency type 2; SPINOCEREBELLAR ATAXIA WITH BLINDNESS AND DEAFNESS 2. Identifiers: Orphanet 572543, Orphanet 97229, MedGen C3553538, MONDO:0013867, OMIM 614707.

Submission:

Laboratorio de Genetica e Diagnostico Molecular, Hospital Israelita Albert Einstein
Classification: Uncertain significance for Brown-Vialetto-van Laere syndrome 2. Last evaluated: 2025-09-02. Review status: criteria provided, single submitter. Criteria: ACMG Guidelines, 2015. Collection method: clinical testing. Allele origin: germline. Affected: yes.
Comment: ACMG classification criteria: PM2 supporting